The following is an entry in ClinVar:

NM_024426.6(WT1):c.882_887+3del

Gene: WT1 (WT1 transcription factor; minus strand). Cytogenetic location: 11p13.
Variant type: Deletion.
Coding change: c.882_887+3del on transcript NM_024426.6 (MANE Select); coding-DNA position 882 through 3 bases into the intron after coding-DNA position 887, 9 bases deleted (CAGCAGGTA; older notation c.882_887+3delCAGCAGGTA).
Molecular consequence: splice donor variant.
Genome position (GRCh38, 1-based): chr11:32,427,953-32,427,961, TACCTGCTG deleted on the plus strand (CAGCAGGTA on the coding strand, the reverse complement: WT1 is on the minus strand); deleting any 9 consecutive bases within chr11:32,427,953-32,427,963 gives the same sequence; the c. name uses the placement nearest the transcript's 3' end. VCF-style (leftmost placement, unchanged base first): chr11-32427952-CTACCTGCTG-C. GRCh37 (hg19) VCF-style: chr11-32449498-CTACCTGCTG-C.
Other names: c.759_764+3del (NM_001407050.1, NM_001407047.1); c.882_887+3del (NM_001407048.1, NM_001407049.1, NM_000378.6 and 4 more transcripts); c.120_125+3del (NM_001407051.1); c.231_236+3del (NM_001198552.2, NM_001198551.2).
Identifiers: ClinVar variation 1503278 (VCV001503278.7), dbSNP rs2133072022, ClinGen allele CA2573146204.

ClinVar aggregate classification (germline): Pathogenic (1 of 4 stars; one submission).

Conditions:
Drash syndrome (DDS). Also called: WILMS TUMOR AND PSEUDO- OR TRUE HERMAPHRODITISM; NEPHROPATHY, WILMS TUMOR, AND GENITAL ANOMALIES. Identifiers: Orphanet 220, MedGen C0950121, MONDO:0008682, OMIM 194080.
Wilms tumor 1 (WT1). Also called: Wilms tumor, somatic. Identifiers: Orphanet 654, MedGen CN033288, MONDO:0008679, OMIM 194070.
11p partial monosomy syndrome (WAGR). Also called: WAGR Complex; WAGR Spectrum Disorder; WAGR syndrome; CHROMOSOME 11p13 DELETION SYNDROME. Identifiers: Orphanet 893, MedGen C0206115, MONDO:0008681, OMIM 194072.
Frasier syndrome. Identifiers: Orphanet 347, MedGen C0950122, MeSH D052159, MONDO:0007635, OMIM 136680.

Submission:

Labcorp Genetics (formerly Invitae), Labcorp
Classification: Pathogenic for Wilms tumor 1; Drash syndrome; 11p partial monosomy syndrome; Frasier syndrome. Last evaluated: 2023-10-27. Review status: criteria provided, single submitter. Criteria: Invitae Variant Classification Sherloc (09022015). Collection method: clinical testing. Allele origin: germline.
Comment: This sequence change affects a splice site in intron 3 of the WT1 gene. It is expected to disrupt RNA splicing. Variants that disrupt the donor or acceptor splice site typically lead to a loss of protein function (PMID: 16199547), and loss-of-function variants in WT1 are known to be pathogenic (PMID: 15150775). This variant is not present in population databases (gnomAD no frequency). Disruption of this splice site has been observed in individual(s) with clinical features of WT1-related conditions (Invitae). In at least one individual the variant was observed to be de novo. ClinVar contains an entry for this variant (Variation ID: 1503278). For these reasons, this variant has been classified as Pathogenic.

Literature cited by the submitters: PubMed 16199547; PubMed 15150775.